The following is an entry in ClinVar:

NM_001457.4(FLNB):c.7417+5C>T

Genes: FLNB (filamin B; plus strand), FLNB-AS1 (FLNB antisense RNA 1; minus strand). Cytogenetic location: 3p14.3.
Variant type: single nucleotide variant.
Coding change: c.7417+5C>T on transcript NM_001457.4 (MANE Select); 5 bases into the intron after coding-DNA position 7417, C replaced by T.
Molecular consequence: intron variant.
Genome position (GRCh38, 1-based): chr3:58,168,663, C>T. VCF-style: chr3-58168663-C-T. GRCh37 (hg19) VCF-style: chr3-58154390-C-T.
Other names: c.7510+5C>T (NM_001164317.2); c.7384+5C>T (NM_001164318.2); c.7345+5C>T (NM_001164319.2).
Identifiers: ClinVar variation 899725 (VCV000899725.12), dbSNP rs200231688, ClinGen allele CA2469674.

ClinVar aggregate classification (germline): Conflicting classifications of pathogenicity. Review status: criteria provided, conflicting classifications (1 of 4 stars). 4 submissions from 4 submitters: Uncertain significance (2); Likely benign (2). Last evaluated 2025-08-25.

Conditions:
Inborn genetic diseases. Identifiers: MedGen C0950123, MeSH D030342.
FLNB-Related Spectrum Disorders.

Allele frequency attached by ClinVar (database versions not stated): ExAC 0.00012; gnomAD exomes 0.00012 and 0.00013; gnomAD 0.00013 and 0.00015; ESP Exome Variant Server 0.00015; TOPMed 0.00024; 1000 Genomes Project 0.00060; 1000 Genomes Project 30x 0.00062.
gnomAD v4.1: 211 of 1,604,174 alleles (0.013%); highest among the groups gnomAD compares: East Asian, 0.33%; no homozygotes.

Submissions (4):

Labcorp Genetics (formerly Invitae), Labcorp
Classification: Uncertain significance. Last evaluated: 2025-08-25. Review status: criteria provided, single submitter. Criteria: Invitae Variant Classification Sherloc (09022015). Collection method: clinical testing. Allele origin: germline.
Comment: This sequence change falls in intron 44 of the FLNB gene. It does not directly change the encoded amino acid sequence of the FLNB protein. It affects a nucleotide within the consensus splice site. This variant is present in population databases (rs200231688, gnomAD 0.08%). This variant has not been reported in the literature in individuals affected with FLNB-related conditions. ClinVar contains an entry for this variant (Variation ID: 899725). Variants that disrupt the consensus splice site are a relatively common cause of aberrant splicing (PMID: 17576681, 9536098). Algorithms developed to predict the effect of sequence changes on RNA splicing suggest that this variant is not likely to affect RNA splicing. In summary, the available evidence is currently insufficient to determine the role of this variant in disease. Therefore, it has been classified as a Variant of Uncertain Significance.

Blueprint Genetics
Classification: Likely benign. Last evaluated: 2022-05-25. Review status: criteria provided, single submitter. Criteria: ACMG Guidelines, 2015. Collection method: clinical testing. Allele origin: germline.

Ambry Genetics
Classification: Likely benign for Inborn genetic diseases. Last evaluated: 2021-10-19. Review status: criteria provided, single submitter. Criteria: Ambry Variant Classification Scheme 2023. Collection method: clinical testing. Allele origin: germline.

Illumina Laboratory Services, Illumina
Classification: Uncertain significance for FLNB-Related Spectrum Disorders. Last evaluated: 2018-01-12. Review status: criteria provided, single submitter. Criteria: ICSL Variant Classification Criteria 13 December 2019. Collection method: clinical testing. Allele origin: germline.

Literature cited by the submitters: PubMed 17576681 (cited by Labcorp Genetics (formerly Invitae), Labcorp); PubMed 9536098 (cited by Labcorp Genetics (formerly Invitae), Labcorp).